The following is an entry in ClinVar:

ClinVar aggregate classification (germline): Uncertain significance (1 of 4 stars; one submission).

Submission:

GeneDx
Classification: Uncertain significance. Last evaluated: 2024-05-09. Review status: criteria provided, single submitter. Criteria: GeneDx Variant Classification Process June 2021. Collection method: clinical testing. Allele origin: germline. Affected: yes.
Comment: Not observed at significant frequency in large population cohorts (gnomAD); In silico analysis indicates that this missense variant does not alter protein structure/function; In silico analysis suggests this variant may impact gene splicing. In the absence of RNA/functional studies, the actual effect of this sequence change is unknown; Has not been previously published as pathogenic or benign to our knowledge

NM_013245.3(VPS4A):c.716A>G (p.Asn239Ser)

Gene: VPS4A (vacuolar protein sorting 4 homolog A; plus strand). Cytogenetic location: 16q22.1.
Variant type: single nucleotide variant.
Coding change: c.716A>G on transcript NM_013245.3 (MANE Select); coding-DNA position 716, A replaced by G.
Protein change: p.Asn239Ser; replaces asparagine 239 with serine.
Molecular consequence: missense variant.
Genome position (GRCh38, 1-based): chr16:69,320,236, A>G. VCF-style: chr16-69320236-A-G. GRCh37 (hg19) VCF-style: chr16-69354139-A-G.
Other names: short protein forms N239S.
Identifiers: ClinVar variation 3375862 (VCV003375862.1).